The following is an entry in ClinVar:

ClinVar aggregate classification (germline): Conflicting classifications of pathogenicity. Review status: criteria provided, conflicting classifications (1 of 4 stars). 2 submissions from 2 submitters: Uncertain significance (1); Likely benign (1). Last evaluated 2025-04-29.

Allele frequency attached by ClinVar (database versions not stated): gnomAD 0.00001; TOPMed 0.00001; ESP Exome Variant Server 0.00008.
gnomAD v4.1: 2 of 1,613,838 alleles (0.00012%); highest among the groups gnomAD compares: Non-Finnish European, 0.00017%; no homozygotes.

Submissions (2):

GeneDx
Classification: Uncertain significance. Last evaluated: 2025-04-29. Review status: criteria provided, single submitter. Criteria: GeneDx Variant Classification Process June 2021. Collection method: clinical testing. Allele origin: germline. Affected: yes.
Comment: Not observed at significant frequency in large population cohorts (gnomAD); In silico analysis indicates that this variant does not alter splicing; Has not been previously published as pathogenic or benign to our knowledge

Labcorp Genetics (formerly Invitae), Labcorp
Classification: Likely benign. Last evaluated: 2023-12-25. Review status: criteria provided, single submitter. Criteria: Invitae Variant Classification Sherloc (09022015). Collection method: clinical testing. Allele origin: germline.

NM_144672.4(OTOA):c.1791G>A (p.Leu597=)

Gene: OTOA (otoancorin). Cytogenetic location: 16p12.2.
Variant type: single nucleotide variant.
Coding change: c.1791G>A on transcript NM_144672.4 (MANE Select); coding-DNA position 1791, G replaced by A.
Protein change: p.Leu597=; no amino-acid change (leucine 597 retained).
Molecular consequence: synonymous variant.
Genome position (GRCh38, 1-based): chr16:21,719,489, G>A. VCF-style: chr16-21719489-G-A. GRCh37 (hg19) VCF-style: chr16-21730810-G-A.
Other names: c.1554G>A, p.Leu518= (NM_001161683.2); c.819G>A, p.Leu273= (NM_170664.3); c.1791G>A (NM_144672.3).
Identifiers: ClinVar variation 2745000 (VCV002745000.4), dbSNP rs142579999, ClinGen allele CA279405825.